The following is an entry in ClinVar:

NM_001282597.3(CTNNA2):c.1559A>G (p.Asp520Gly)

Gene: CTNNA2 (catenin alpha 2; plus strand). Cytogenetic location: 2p12.
Variant type: single nucleotide variant.
Coding change: c.1559A>G on transcript NM_001282597.3 (MANE Select); coding-DNA position 1559, A replaced by G.
Protein change: p.Asp520Gly; replaces aspartic acid 520 with glycine.
Molecular consequence: missense variant.
Genome position (GRCh38, 1-based): chr2:80,555,711, A>G. VCF-style: chr2-80555711-A-G. GRCh37 (hg19) VCF-style: chr2-80782836-A-G.
Other names: c.1559A>G, p.Asp520Gly (NM_001164883.2, NM_001399737.1, NM_004389.4); c.1661A>G, p.Asp554Gly (NM_001282598.2); c.596A>G, p.Asp199Gly (NM_001282599.2); c.455A>G, p.Asp152Gly (NM_001282600.2, NM_001320810.2); short protein forms D152G, D199G, D520G, D554G.
Identifiers: ClinVar variation 2581959 (VCV002581959.1), dbSNP rs2467865482, ClinGen allele CA347512057.

ClinVar aggregate classification (germline): Uncertain significance (1 of 4 stars; one submission).

Submission:

GeneDx
Classification: Uncertain significance. Last evaluated: 2023-03-26. Review status: criteria provided, single submitter. Criteria: GeneDx Variant Classification Process June 2021. Collection method: clinical testing. Allele origin: germline. Affected: yes.
Comment: Not observed at significant frequency in large population cohorts (gnomAD); In silico analysis supports that this missense variant has a deleterious effect on protein structure/function; Has not been previously published as pathogenic or benign to our knowledge